The following is an entry in ClinVar:

NM_007294.4(BRCA1):c.980C>T (p.Thr327Ile)

Gene: BRCA1 (BRCA1 DNA repair associated; minus strand). Cytogenetic location: 17q21.31.
Variant type: single nucleotide variant.
Coding change: c.980C>T on transcript NM_007294.4 (MANE Select); coding-DNA position 980, C replaced by T.
Protein change: p.Thr327Ile; replaces threonine 327 with isoleucine.
Molecular consequence: missense variant. On other transcripts: intron variant (137).
Genome position (GRCh38, 1-based): chr17:43,094,551, G>A on the plus strand (C>T on the coding strand, the complement: BRCA1 is on the minus strand). VCF-style: chr17-43094551-G-A. GRCh37 (hg19) VCF-style: chr17-41246568-G-A.
Other names: c.647C>T, p.Thr216Ile (NM_001407957.1, NM_001407946.1, NM_001407947.1 and 6 more transcripts); c.644C>T, p.Thr215Ile (NM_001407958.1, NM_001407954.1, NM_001407955.1 and 1 more transcripts); c.599C>T, p.Thr200Ile (NM_001407959.1, NM_001407960.1, NM_001407963.1); c.596C>T, p.Thr199Ile (NM_001407962.1); c.836C>T, p.Thr279Ile (NM_001407964.1, NM_001407943.1, NM_001407841.1 and 20 more transcripts); c.476C>T, p.Thr159Ile (NM_001407965.1); c.92C>T, p.Thr31Ile (NM_001407966.1, NM_001407967.1); c.839C>T, p.Thr280Ile (NM_007297.4, NM_001407851.1, NM_001407852.1 and 29 more transcripts); and 40 more; short protein forms T159I, T199I, T200I, T215I, T216I, T238I, T239I, T256I.
Identifiers: ClinVar variation 4856574 (VCV004856574.1).

ClinVar aggregate classification (germline): Likely benign (1 of 4 stars; one submission).

Conditions:
Breast-ovarian cancer, familial, susceptibility to, 1 (BROVCA1). Also called: OVARIAN CANCER, SUSCEPTIBILITY TO; BRCA1 Hereditary Breast and Ovarian Cancer. Identifiers: Orphanet 145, MedGen C2676676, MONDO:0011450, OMIM 604370. Disease mechanism: loss of function.

gnomAD v4.1: 1 of 1,614,098 alleles (0.000062%); highest among the groups gnomAD compares: Non-Finnish European, 0.000085%; no homozygotes.

Submission:

Cancer Bioinformatics and Tumour Evolution Laboratory, Monash University
Classification: Likely benign for Breast-ovarian cancer, familial, susceptibility to, 1. Last evaluated: 2026-05-01. Review status: criteria provided, single submitter. Criteria: ClinGen BRCA1 and BRCA2 Guidelines, 2024. Collection method: curation. Allele origin: germline. Inheritance: Autosomal dominant inheritance.
Comment: Missense variant outside of a functional domain with no splice impact. BRCA1 and BRCA2 VCEP guidelines recommend application of BP1_Strong (PMID: 39142283). PMID: 39281752 - A large scale study to determine the case-control LR of BRCA1 and BRCA2 variants. The data was consolidated in the ccLR browser. This variant was found in the browser with a LR of 0.568411273 which is in the intermediate range according to the BRCA1 and BRCA2 VCEP. Hence, no evidence code applied.

Literature cited by the submitters: PubMed 39281752.